The following is an entry in ClinVar:

ClinVar aggregate classification (germline): Pathogenic. Review status: criteria provided, multiple submitters, no conflicts (2 of 4 stars). 4 submissions from 4 submitters: Pathogenic (4). Last evaluated 2025-01-24.

Conditions:
Alport syndrome. Also called: Hemorrhagic familial nephritis; Hemorrhagic hereditary nephritis; Congenital hereditary hematuria. Identifiers: Orphanet 63, MedGen C1567741, MONDO:0018965.
Autosomal dominant Alport syndrome (ATS3A). Also called: ALPORT SYNDROME 3A, AUTOSOMAL DOMINANT; Alport syndrome dominant type; Renal failure and sensorineural hearing loss. Identifiers: Orphanet 63, Orphanet 88918, MedGen C5882663, MONDO:0007086, OMIM 104200.
Benign familial hematuria. Also called: thin basement membrane disease. Identifiers: MedGen C0241908, MONDO:0957317.
Autosomal recessive Alport syndrome (ATS2). Also called: Alport syndrome type 2; COL4A4 Alport Syndrome and Thin Basement Membrane Nephropathy; COL4A3-Related Nephropathy; ALPORT SYNDROME 2, AUTOSOMAL RECESSIVE. Identifiers: Orphanet 63, Orphanet 88919, MedGen C4746745, MONDO:0008762, OMIM 203780.
Alport syndrome 3b, autosomal recessive. Identifiers: MedGen C5882699, MONDO:0957811, OMIM 620536.

Submissions (4):

Natera, Inc.
Classification: Pathogenic for Alport syndrome. Last evaluated: 2025-01-24. Review status: criteria provided, single submitter. Criteria: Natera Variant Classification Schema (03/2026). Collection method: clinical testing. Allele origin: germline.
Comment: The c.92_95dupGTGT variant in COL4A3 is a frameshift variant predicted to shift the reading frame beginning at codon 34 and leads to a stop codon 2 codons downstream. This variant is expected to result in nonsense mediated decay, truncation, or a dysfunctional protein product. This variant is rare in the general population with a frequency below the threshold expected for the associated phenotype(s). This variant has been observed in one or more individuals affected with the associated recessive disease, as either homozygous or compound heterozygous with a second variant (PMID: 25307543). Given the available evidence, this variant is classified as Pathogenic.

Labcorp Genetics (formerly Invitae), Labcorp
Classification: Pathogenic. Last evaluated: 2023-08-24. Review status: criteria provided, single submitter. Criteria: Invitae Variant Classification Sherloc (09022015). Collection method: clinical testing. Allele origin: germline.
Comment: This sequence change creates a premature translational stop signal (p.Lys34Leufs*2) in the COL4A3 gene. It is expected to result in an absent or disrupted protein product. Loss-of-function variants in COL4A3 are known to be pathogenic (PMID: 8956999, 24854265, 26809805, 27281700). This variant is present in population databases (no rsID available, gnomAD 0.003%). This premature translational stop signal has been observed in individual(s) with clinical features of Alport syndrome and thin basement membrane nephropathy (PMID: 25307543). For these reasons, this variant has been classified as Pathogenic.

Fulgent Genetics
Classification: Pathogenic for Autosomal dominant Alport syndrome; Hematuria, benign familial, 1; Autosomal recessive Alport syndrome. Last evaluated: 2021-08-15. Review status: criteria provided, single submitter. Criteria: ACMG Guidelines, 2015. Collection method: clinical testing. Allele origin: unknown.

Clinical Genetics Service, Universitary Hospital 12 de Octubre
Classification: Pathogenic for Alport syndrome 3b, autosomal recessive. Review status: criteria provided, single submitter. Criteria: ACMG Guidelines, 2015. Collection method: clinical testing. Allele origin: germline. Affected: yes.

Literature cited by the submitters: PubMed 25307543 (cited by Natera, Inc. and Labcorp Genetics (formerly Invitae), Labcorp); PubMed 8956999 (cited by Labcorp Genetics (formerly Invitae), Labcorp); PubMed 24854265 (cited by Labcorp Genetics (formerly Invitae), Labcorp); PubMed 26809805 (cited by Labcorp Genetics (formerly Invitae), Labcorp); PubMed 27281700 (cited by Labcorp Genetics (formerly Invitae), Labcorp).

NM_000091.5(COL4A3):c.92_95dup (p.Lys34fs)

Genes: COL4A3 (collagen type IV alpha 3 chain; plus strand), MFF-DT (MFF divergent transcript; minus strand). Cytogenetic location: 2q36.3.
Variant type: Microsatellite.
Coding change: c.92_95dup on transcript NM_000091.5 (MANE Select); coding-DNA positions 92 to 95, 4 bases duplicated (GTGT; older notation c.92_95dupGTGT).
Protein change: p.Lys34fs; shifts the reading frame from lysine 34.
Molecular consequence: frameshift variant.
Genome position (GRCh38, 1-based): chr2:227,237,972-227,237,975, GTGT duplicated; duplicating any 4 consecutive bases within chr2:227,237,971-227,237,975 gives the same sequence; the c. name uses the placement nearest the transcript's 3' end. VCF-style (leftmost placement, unchanged base first): chr2-227237970-T-TTGTG. GRCh37 (hg19) VCF-style: chr2-228102686-T-TTGTG.
Other names: c.92_95dupGTGT (NM_000091.4); c.92_95dup (NM_000091.4); short protein forms K34fs.
Identifiers: ClinVar variation 1075091 (VCV001075091.13), dbSNP rs1385106410, ClinGen allele CA539882103.